The following is an entry in ClinVar:

NM_001927.4(DES):c.418G>C (p.Val140Leu)

Gene: DES (desmin; plus strand). Cytogenetic location: 2q35.
Variant type: single nucleotide variant.
Coding change: c.418G>C on transcript NM_001927.4 (MANE Select); coding-DNA position 418, G replaced by C.
Protein change: p.Val140Leu; replaces valine 140 with leucine.
Molecular consequence: missense variant.
Genome position (GRCh38, 1-based): chr2:219,418,880, G>C. VCF-style: chr2-219418880-G-C. GRCh37 (hg19) VCF-style: chr2-220283602-G-C.
Other names: c.418G>C, p.Val140Leu (NM_001382708.1, NM_001382709.1, NM_001382710.1 and 3 more transcripts); short protein forms V140L.
Identifiers: ClinVar variation 1352449 (VCV001352449.6), dbSNP rs1377068684, ClinGen allele CA350686027.

ClinVar aggregate classification (germline): Uncertain significance (1 of 4 stars; one submission).

Conditions:
Desmin-related myofibrillar myopathy (MFM1). Also called: Desminopathy; Desmin related myopathy (former name); Desmin storage myopathy (former name); MYOFIBRILLAR MYOPATHY WITH ARRHYTHMOGENIC RIGHT VENTRICULAR CARDIOMYOPATHY; DESMIN-RELATED MYOPATHY WITH ARRHYTHMOGENIC RIGHT VENTRICULAR CARDIOMYOPATHY; Myofibrillar myopathy 1. Identifiers: Orphanet 363543, Orphanet 98909, MedGen C1832370, MONDO:0011076, OMIM 601419.

Submission:

Labcorp Genetics (formerly Invitae), Labcorp
Classification: Uncertain significance for Desmin-related myofibrillar myopathy. Last evaluated: 2024-10-18. Review status: criteria provided, single submitter. Criteria: Invitae Variant Classification Sherloc (09022015). Collection method: clinical testing. Allele origin: germline.
Comment: This sequence change replaces valine, which is neutral and non-polar, with leucine, which is neutral and non-polar, at codon 140 of the DES protein (p.Val140Leu). This variant is not present in population databases (gnomAD no frequency). This variant has not been reported in the literature in individuals affected with DES-related conditions. ClinVar contains an entry for this variant (Variation ID: 1352449). Invitae Evidence Modeling of protein sequence and biophysical properties (such as structural, functional, and spatial information, amino acid conservation, physicochemical variation, residue mobility, and thermodynamic stability) indicates that this missense variant is not expected to disrupt DES protein function with a negative predictive value of 80%. In summary, the available evidence is currently insufficient to determine the role of this variant in disease. Therefore, it has been classified as a Variant of Uncertain Significance.